The following is an entry in ClinVar:

NM_003482.4(KMT2D):c.5934C>T (p.Gly1978=)

Gene: KMT2D (lysine methyltransferase 2D; minus strand). Cytogenetic location: 12q13.12.
Variant type: single nucleotide variant.
Coding change: c.5934C>T on transcript NM_003482.4 (MANE Select); coding-DNA position 5934, C replaced by T.
Protein change: p.Gly1978=; no amino-acid change (glycine 1978 retained).
Molecular consequence: synonymous variant.
Genome position (GRCh38, 1-based): chr12:49,042,264, G>A on the plus strand (C>T on the coding strand, the complement: KMT2D is on the minus strand). VCF-style: chr12-49042264-G-A. GRCh37 (hg19) VCF-style: chr12-49436047-G-A.
Identifiers: ClinVar variation 1436140 (VCV001436140.7), dbSNP rs2120554214, ClinGen allele CA479712605.

ClinVar aggregate classification (germline): Likely benign. Review status: criteria provided, multiple submitters, no conflicts (2 of 4 stars). 2 submissions from 2 submitters: Likely benign (2). Last evaluated 2023-08-04.

Conditions:
Choanal atresia-athelia-hypothyroidism-delayed puberty-short stature syndrome (BCAHH). Also called: BRANCHIAL ARCH ABNORMALITIES, CHOANAL ATRESIA, ATHELIA, HEARING LOSS, AND HYPOTHYROIDISM SYNDROME. Identifiers: Orphanet 589856, MedGen C5680310, MONDO:0035651, OMIM 620186.
Kabuki syndrome 1 (KABUK1). Also called: KMT2D-Related Kabuki Syndrome. Identifiers: Orphanet 2322, MedGen CN030661, MONDO:0007843, OMIM 147920.
Kabuki syndrome. Also called: NIIKAWA-KUROKI SYNDROME; Kabuki make-up syndrome. Identifiers: Orphanet 2322, MedGen C0796004, MONDO:0016512.

Submissions (2):

Labcorp Genetics (formerly Invitae), Labcorp
Classification: Likely benign for Kabuki syndrome. Last evaluated: 2023-08-04. Review status: criteria provided, single submitter. Criteria: Invitae Variant Classification Sherloc (09022015). Collection method: clinical testing. Allele origin: germline.

Center for Genomics, Ann and Robert H. Lurie Children's Hospital of Chicago
Classification: Likely benign for Choanal atresia-athelia-hypothyroidism-delayed puberty-short stature syndrome; Kabuki syndrome 1. Review status: criteria provided, single submitter. Criteria: ACMG Guidelines, 2015. Collection method: clinical testing. Allele origin: germline.
Comment: This variant has not been reported in the literature and is not present in large control databases. This variant is present in ClinVar (Variation ID:1436140). Evolutionary conservation and computational predictive tools for this variant are limited or unavailable. Of note, this variant is a silent variant and does not change the amino acid, reducing the probability that this variant is disease causing. In summary, data on this variant suggests that this variant does not cause disease but requires further evidence. Therefore, this variant is classified as likely benign.